The following is an entry in ClinVar:

NM_025265.4(TSEN2):c.-98_-96del

Genes: TSEN2 (tRNA splicing endonuclease subunit 2; plus strand), LOC129936171 (ATAC-STARR-seq lymphoblastoid active region 19441; plus strand). Cytogenetic location: 3p25.2.
Variant type: Deletion.
Coding change: c.-98_-96del on transcript NM_025265.4 (MANE Select); 98 bases upstream of the start codon through 96 bases upstream of the start codon, 3 bases deleted (AGC; older notation c.-98_-96delAGC).
Molecular consequence: 5 prime UTR variant. On other transcripts: intron variant (5).
Genome position (GRCh38, 1-based): chr3:12,484,800-12,484,802, AGC deleted; deleting any 3 consecutive bases within chr3:12,484,798-12,484,802 gives the same sequence; the c. name uses the placement nearest the transcript's 3' end. VCF-style (leftmost placement, unchanged base first): chr3-12484797-TGCA-T. GRCh37 (hg19) VCF-style: chr3-12526296-TGCA-T.
Other names: c.-98_-96del (NM_001321279.2); c.-18+283_-18+285del (NM_001321278.2, NM_001321277.2, NM_001145393.3 and 1 more transcripts); c.-18+172_-18+174del (NM_001145392.2).
Identifiers: ClinVar variation 2653539 (VCV002653539.24), dbSNP rs540848445, ClinGen allele CA69611986.

ClinVar aggregate classification (germline): Benign (1 of 4 stars; one submission).

Submission:

CeGaT Center for Human Genetics Tuebingen
Classification: Benign. Last evaluated: 2022-07-01. Review status: criteria provided, single submitter. Criteria: CeGaT Center For Human Genetics Tuebingen Variant Classification Criteria Version 2. Collection method: clinical testing. Allele origin: germline. Affected: yes. Observed: 2 variant alleles.
Comment: TSEN2: BS1, BS2